The following is an entry in ClinVar:

ClinVar aggregate classification (germline): Pathogenic (1 of 4 stars; one submission).

Conditions:
Charcot-Marie-Tooth disease axonal type 2F (CMT2F). Also called: CHARCOT-MARIE-TOOTH DISEASE, NEURONAL, TYPE 2F; Charcot-Marie-Tooth Neuropathy Type 2F. Identifiers: Orphanet 99940, MedGen C1847823, MONDO:0011687, OMIM 606595.

Submission:

Labcorp Genetics (formerly Invitae), Labcorp
Classification: Pathogenic for Charcot-Marie-Tooth disease type 2F. Last evaluated: 2019-11-04. Review status: criteria provided, single submitter. Criteria: Invitae Variant Classification Sherloc (09022015). Collection method: clinical testing. Allele origin: germline.
Comment: This variant is a gross deletion of the genomic region encompassing exons 2-3 of the HSPB1 gene. The 5' boundary is likely confined to intron 1. The 3' end of this event is unknown as it extends through the termination codon beyond the assayed region for this gene and may encompass additional genes. While this deletion is not anticipated to result in nonsense mediated decay, it is expected to create a truncated protein product or disrupt mRNA translation. This variant has not been reported in individuals affected with HSPB1-related disorders. This variant disrupts the region of the HSPB1 protein between p.Pro39 and p.Pro182. This region has been determined to be associated with autosomal dominant HSPB1-related conditions (PMID: 27816334, 28144995, 29381233), which suggests that variants that disrupt this region are likely to be clinically significant. For these reasons, this variant has been classified as Pathogenic.

Literature cited by the submitters: PubMed 28144995; PubMed 27816334; PubMed 29381233.

NC_000007.14:g.(?_76303789)_(76304183_?)del

Gene: HSPB1 (heat shock protein family B (small) member 1; plus strand). Cytogenetic location: 7q11.23.
Variant type: Deletion.
Identifiers: ClinVar variation 831819 (VCV000831819.1).